The following is an entry in ClinVar:

NM_025219.3(DNAJC5):c.448G>A (p.Val150Met)

Gene: DNAJC5 (DnaJ heat shock protein family (Hsp40) member C5; plus strand). Cytogenetic location: 20q13.33.
Variant type: single nucleotide variant.
Coding change: c.448G>A on transcript NM_025219.3 (MANE Select); coding-DNA position 448, G replaced by A.
Protein change: p.Val150Met; replaces valine 150 with methionine.
Molecular consequence: missense variant.
Genome position (GRCh38, 1-based): chr20:63,930,977, G>A. VCF-style: chr20-63930977-G-A. GRCh37 (hg19) VCF-style: chr20-62562330-G-A.
Other names: short protein forms V150M.
Identifiers: ClinVar variation 432374 (VCV000432374.9), dbSNP rs146719477, ClinGen allele CA409719980.

ClinVar aggregate classification (germline): Uncertain significance. Review status: criteria provided, multiple submitters, no conflicts (2 of 4 stars). 2 submissions from 2 submitters: Uncertain significance (2). Last evaluated 2022-07-06.

Conditions:
Neuronal ceroid lipofuscinosis. Also called: Neuronal Ceroid Lipofuscinoses. Identifiers: Orphanet 216, Orphanet 79263, MedGen C0027877, MONDO:0016295. Disease mechanism: loss of function.

gnomAD v4.1: 5 of 1,613,966 alleles (0.00031%); highest among the groups gnomAD compares: South Asian, 0.0011%; no homozygotes.

Submissions (2):

Labcorp Genetics (formerly Invitae), Labcorp
Classification: Uncertain significance for Neuronal ceroid lipofuscinosis. Last evaluated: 2022-07-06. Review status: criteria provided, single submitter. Criteria: Invitae Variant Classification Sherloc (09022015). Collection method: clinical testing. Allele origin: germline.
Comment: In summary, the available evidence is currently insufficient to determine the role of this variant in disease. Therefore, it has been classified as a Variant of Uncertain Significance. Algorithms developed to predict the effect of missense changes on protein structure and function are either unavailable or do not agree on the potential impact of this missense change (SIFT: "Deleterious"; PolyPhen-2: "Benign"; Align-GVGD: "Class C0"). ClinVar contains an entry for this variant (Variation ID: 432374). This variant has not been reported in the literature in individuals affected with DNAJC5-related conditions. This variant is present in population databases (no rsID available, gnomAD 0.003%). This sequence change replaces valine, which is neutral and non-polar, with methionine, which is neutral and non-polar, at codon 150 of the DNAJC5 protein (p.Val150Met).

GeneDx
Classification: Uncertain significance. Last evaluated: 2017-06-02. Review status: criteria provided, single submitter. Criteria: GeneDx Variant Classification (06012015). Collection method: clinical testing. Allele origin: germline. Affected: yes.
Comment: A variant of uncertain significance has been identified in the DNAJC5 gene. The V150M variant has not been published as a pathogenic variant, nor has it been reported as a benign variant to our knowledge. The V150M variant is not observed in large population cohorts (Lek et al., 2016; 1000 Genomes Consortium et al., 2015; Exome Variant Server). This substitution occurs at a position that is conserved across species. However, the V150M variant is a conservative amino acid substitution, which is not likely to impact secondary protein structure as these residues share similar properties. In silico analysis is inconsistent in its predictions as to whether or not the variant is damaging to the protein structure/function. Therefore, based on the currently available information, it is unclear whether this variant is a pathogenic variant or a rare benign variant.